The following is an entry in ClinVar:

NM_001364905.1(LRBA):c.5980C>T (p.Arg1994Ter)

Gene: LRBA (LPS responsive beige-like anchor protein; minus strand). Cytogenetic location: 4q31.3.
Variant type: single nucleotide variant.
Coding change: c.5980C>T on transcript NM_001364905.1 (MANE Select); coding-DNA position 5980, C replaced by T.
Protein change: p.Arg1994Ter; replaces arginine 1994 with a stop codon.
Molecular consequence: nonsense.
Genome position (GRCh38, 1-based): chr4:150,599,073, G>A on the plus strand (C>T on the coding strand, the complement: LRBA is on the minus strand). VCF-style: chr4-150599073-G-A. GRCh37 (hg19) VCF-style: chr4-151520225-G-A.
Other names: c.5980C>T, p.Arg1994Ter (NM_001199282.3, NM_001367550.1, NM_006726.5); short protein forms R1994*.
Identifiers: ClinVar variation 1070799 (VCV001070799.7), dbSNP rs760342862, ClinGen allele CA3102286.
Genomic context (GRCh38, chr4:150,599,073, plus strand): 5'-CCACGGCTGTTTTTAGTGTCGCTTCAGGATGTGTCGATCCTAGAGGGTTACGCACAAATC[G>A]TCGCCGGCGCCGCAAGTCATCTTCCCAGTAGTCAAGGCGCCAGAACTCAAGAGGACGACT-3'

ClinVar aggregate classification (germline): Pathogenic (1 of 4 stars; one submission).

Conditions:
Combined immunodeficiency due to LRBA deficiency. Also called: Common variable immunodeficiency 8, with autoimmunity. Identifiers: Orphanet 445018, MedGen C3553512, MONDO:0013863, OMIM 614700.

Allele frequency attached by ClinVar (database versions not stated): gnomAD exomes below 0.00001 and 0.00001; ExAC 0.00001.
gnomAD v4.1: 2 of 1,614,040 alleles (0.00012%); highest among the groups gnomAD compares: South Asian, 0.0011%; no homozygotes.

Submission:

Labcorp Genetics (formerly Invitae), Labcorp
Classification: Pathogenic for Combined immunodeficiency due to LRBA deficiency. Last evaluated: 2024-07-08. Review status: criteria provided, single submitter. Criteria: Invitae Variant Classification Sherloc (09022015). Collection method: clinical testing. Allele origin: germline.
Comment: This sequence change creates a premature translational stop signal (p.Arg1994*) in the LRBA gene. It is expected to result in an absent or disrupted protein product. Loss-of-function variants in LRBA are known to be pathogenic (PMID: 26206937, 26768763). This variant is present in population databases (rs760342862, gnomAD 0.004%). This variant has not been reported in the literature in individuals affected with LRBA-related conditions. ClinVar contains an entry for this variant (Variation ID: 1070799). For these reasons, this variant has been classified as Pathogenic.

Literature cited by the submitters: PubMed 26206937; PubMed 26768763.